The following is an entry in ClinVar:

NM_024854.5(PYROXD1):c.236A>G (p.Asn79Ser)

Gene: PYROXD1 (pyridine nucleotide-disulphide oxidoreductase domain 1; plus strand). Cytogenetic location: 12p12.1.
Variant type: single nucleotide variant.
Coding change: c.236A>G on transcript NM_024854.5 (MANE Select); coding-DNA position 236, A replaced by G.
Protein change: p.Asn79Ser; replaces asparagine 79 with serine.
Molecular consequence: missense variant. On other transcripts: 5 prime UTR variant (1).
Genome position (GRCh38, 1-based): chr12:21,445,417, A>G. VCF-style: chr12-21445417-A-G. GRCh37 (hg19) VCF-style: chr12-21598351-A-G.
Other names: c.23A>G, p.Asn8Ser (NM_001350912.2); c.-468A>G (NM_001350913.2); short protein forms N8S, N79S.
Identifiers: ClinVar variation 1376398 (VCV001376398.5), dbSNP rs754580539, ClinGen allele CA6478146.

ClinVar aggregate classification (germline): Uncertain significance (1 of 4 stars; one submission).

Allele frequency attached by ClinVar (database versions not stated): TOPMed 0.00002; ExAC 0.00003; gnomAD 0.00003 and 0.00004; gnomAD exomes 0.00003.
gnomAD v4.1: 45 of 1,608,682 alleles (0.0028%); highest among the groups gnomAD compares: Non-Finnish European, 0.0037%; no homozygotes.

Submission:

Labcorp Genetics (formerly Invitae), Labcorp
Classification: Uncertain significance. Last evaluated: 2022-07-05. Review status: criteria provided, single submitter. Criteria: Invitae Variant Classification Sherloc (09022015). Collection method: clinical testing. Allele origin: germline.
Comment: This sequence change replaces asparagine, which is neutral and polar, with serine, which is neutral and polar, at codon 79 of the PYROXD1 protein (p.Asn79Ser). This variant is present in population databases (rs754580539, gnomAD 0.006%). This variant has not been reported in the literature in individuals affected with PYROXD1-related conditions. ClinVar contains an entry for this variant (Variation ID: 1376398). Algorithms developed to predict the effect of missense changes on protein structure and function are either unavailable or do not agree on the potential impact of this missense change (SIFT: "Deleterious"; PolyPhen-2: "Benign"; Align-GVGD: "Class C0"). In summary, the available evidence is currently insufficient to determine the role of this variant in disease. Therefore, it has been classified as a Variant of Uncertain Significance.